The following is an entry in ClinVar:

NM_002303.6(LEPR):c.1652T>A (p.Ile551Asn)

Gene: LEPR (leptin receptor; plus strand). Cytogenetic location: 1p31.3.
Variant type: single nucleotide variant.
Coding change: c.1652T>A on transcript NM_002303.6 (MANE Select); coding-DNA position 1652, T replaced by A.
Protein change: p.Ile551Asn; replaces isoleucine 551 with asparagine.
Molecular consequence: missense variant.
Genome position (GRCh38, 1-based): chr1:65,608,801, T>A. VCF-style: chr1-65608801-T-A. GRCh37 (hg19) VCF-style: chr1-66074484-T-A.
Other names: c.1652T>A, p.Ile551Asn (NM_001198688.1, NM_001198689.2, NM_001003679.3 and 2 more transcripts); short protein forms I551N.
Identifiers: ClinVar variation 804986 (VCV000804986.4), dbSNP rs755235061, ClinGen allele CA894842.

ClinVar aggregate classification (germline): Uncertain significance. Review status: criteria provided, multiple submitters, no conflicts (2 of 4 stars). 3 submissions from 3 submitters: Uncertain significance (3). Last evaluated 2025-03-09.

Conditions:
LEPR-related disorder. Also called: LEPR-related condition; LEPR-related disorders.
Inborn genetic diseases. Identifiers: MedGen C0950123, MeSH D030342.

Allele frequency attached by ClinVar (database versions not stated): gnomAD 0.00001 and 0.00002; gnomAD exomes 0.00001; TOPMed 0.00001.
gnomAD v4.1: 10 of 1,613,664 alleles (0.00062%); highest among the groups gnomAD compares: Middle Eastern, 0.016%; no homozygotes.

Submissions (3):

PreventionGenetics, part of Exact Sciences
Classification: Uncertain significance for LEPR-related condition. Last evaluated: 2025-03-09. Review status: criteria provided, single submitter. Criteria: ACMG Guidelines, 2015. Collection method: clinical testing. Allele origin: germline.
Comment: The LEPR c.1652T>A variant is predicted to result in the amino acid substitution p.Ile551Asn. This variant was observed in a cohort of individuals with obesity, and in vitro functional studies showed function similar to wild-type levels (Supplemental Data Set, Shah et al. 2023. PubMed ID: 36864747). This variant is reported in 0.0033% of alleles in individuals of South Asian descent in gnomAD. At this time, the clinical significance of this variant is uncertain due to the absence of conclusive functional and genetic evidence.

Ambry Genetics
Classification: Uncertain significance for Inborn genetic diseases. Last evaluated: 2022-08-16. Review status: criteria provided, single submitter. Criteria: Ambry Variant Classification Scheme 2023. Collection method: clinical testing. Allele origin: germline.

Athena Diagnostics
Classification: Uncertain significance. Last evaluated: 2019-07-23. Review status: criteria provided, single submitter. Criteria: Athena Diagnostics Criteria. Collection method: clinical testing. Allele origin: germline.